The following is an entry in ClinVar:

NM_000390.4(CHM):c.498G>A (p.Ala166=)

Gene: CHM (CHM Rab escort protein; minus strand). Cytogenetic location: Xq21.2.
Variant type: single nucleotide variant.
Coding change: c.498G>A on transcript NM_000390.4 (MANE Select); coding-DNA position 498, G replaced by A.
Protein change: p.Ala166=; no amino-acid change (alanine 166 retained).
Molecular consequence: synonymous variant.
Genome position (GRCh38, 1-based): chrX:85,963,869, C>T on the plus strand (G>A on the coding strand, the complement: CHM is on the minus strand). VCF-style: chrX-85963869-C-T. GRCh37 (hg19) VCF-style: chrX-85218874-C-T.
Other names: c.54G>A, p.Ala18= (NM_001320959.1, NM_001362517.1, NM_001362518.2 and 1 more transcripts); c.498G>A (NM_000390.3).
Identifiers: ClinVar variation 989636 (VCV000989636.13), dbSNP rs779055829, ClinGen allele CA10465568.

ClinVar aggregate classification (germline): Likely benign. Review status: criteria provided, multiple submitters, no conflicts (2 of 4 stars). 4 submissions from 4 submitters: Likely benign (2). 2 of the submissions do not count toward it. Last evaluated 2026-01-09.

Conditions:
CHM-related disorder. Also called: CHM-related condition.
Choroideremia. Also called: Chorioretinal scalloped atrophy. Identifiers: Orphanet 180, MedGen C0008525, MONDO:0010557, OMIM 303100, HP:0001139.

Allele frequency attached by ClinVar (database versions not stated): ExAC 0.00002; gnomAD 0.00006; TOPMed 0.00007; gnomAD exomes 0.00012; 1000 Genomes Project 30x 0.00021.
gnomAD v4.1: 139 of 1,208,963 alleles (0.011%); highest among the groups gnomAD compares: Non-Finnish European, 0.015%; no homozygotes.

Submissions (4):

Labcorp Genetics (formerly Invitae), Labcorp
Classification: Likely benign. Last evaluated: 2026-01-09. Review status: criteria provided, single submitter. Criteria: Invitae Variant Classification Sherloc (09022015). Collection method: clinical testing. Allele origin: germline.

Blueprint Genetics
Classification: Likely benign. Last evaluated: 2022-08-26. Review status: criteria provided, single submitter. Criteria: ACMG Guidelines, 2015. Collection method: clinical testing. Allele origin: germline.

Natera, Inc.
Classification: Likely benign for Choroideremia. Last evaluated: 2020-06-08. Review status: no assertion criteria provided. Collection method: clinical testing. Allele origin: germline. Not counted in ClinVar's aggregate classification.

PreventionGenetics, part of Exact Sciences
Classification: Likely benign for CHM-related condition. Last evaluated: 2019-03-06. Review status: no assertion criteria provided. Collection method: clinical testing. Allele origin: germline. Not counted in ClinVar's aggregate classification.
Comment: This variant is classified as likely benign based on ACMG/AMP sequence variant interpretation guidelines (Richards et al. 2015 PMID: 25741868, with internal and published modifications).